The following is an entry in ClinVar:

NM_025114.4(CEP290):c.5056G>C (p.Glu1686Gln)

Gene: CEP290 (centrosomal protein 290; minus strand). Cytogenetic location: 12q21.32.
Variant type: single nucleotide variant.
Coding change: c.5056G>C on transcript NM_025114.4 (MANE Select); coding-DNA position 5056, G replaced by C.
Protein change: p.Glu1686Gln; replaces glutamic acid 1686 with glutamine.
Molecular consequence: missense variant.
Genome position (GRCh38, 1-based): chr12:88,080,352, C>G on the plus strand (G>C on the coding strand, the complement: CEP290 is on the minus strand). VCF-style: chr12-88080352-C-G. GRCh37 (hg19) VCF-style: chr12-88474129-C-G.
Other names: short protein forms E1686Q.
Identifiers: ClinVar variation 2636819 (VCV002636819.1), dbSNP rs377143954, ClinGen allele CA6711798.

ClinVar aggregate classification (germline): Uncertain significance (1 of 4 stars; one submission).

Conditions:
CEP290-related disorder. Also called: CEP290-related condition; CEP290-related disorders. Identifiers: MedGen CN239314.

Allele frequency attached by ClinVar (database versions not stated): gnomAD 0.00001; ESP Exome Variant Server 0.00008.
gnomAD v4.1: 1 of 1,613,418 alleles (0.000062%); highest among the groups gnomAD compares: Non-Finnish European, 0.000085%; no homozygotes.

Submission:

PreventionGenetics, part of Exact Sciences
Classification: Uncertain significance for CEP290-related condition. Last evaluated: 2023-01-26. Review status: criteria provided, single submitter. Criteria: ACMG Guidelines, 2015. Collection method: clinical testing. Allele origin: germline.
Comment: The CEP290 c.5056G>C variant is predicted to result in the amino acid substitution p.Glu1686Gln. To our knowledge, this variant has not been reported in the literature. This variant is reported in 0.0016% of alleles in individuals of European (Non-Finnish) descent in gnomAD. At this time, the clinical significance of this variant is uncertain due to the absence of conclusive functional and genetic evidence.